The following is an entry in ClinVar:

ClinVar aggregate classification (germline): Uncertain significance (1 of 4 stars; one submission).

gnomAD v4.1: 2 of 1,582,770 alleles (0.00013%); highest among the groups gnomAD compares: Non-Finnish European, 0.00017%; no homozygotes.

Submission:

Ambry Genetics
Classification: Uncertain significance. Last evaluated: 2025-08-20. Review status: criteria provided, single submitter. Criteria: Ambry Variant Classification Scheme 2023. Collection method: clinical testing. Allele origin: germline.
Comment: The p.R1846G variant (also known as c.5536A>G), located in coding exon 22 of the WNK2 gene, results from an A to G substitution at nucleotide position 5536. The arginine at codon 1846 is replaced by glycine, an amino acid with dissimilar properties. This amino acid position is conserved. In addition, the in silico prediction for this alteration is inconclusive. Based on the available evidence, the clinical significance of this variant remains unclear.

NM_006648.4(WNK2):c.5536A>G (p.Arg1846Gly)

Gene: WNK2 (WNK lysine deficient protein kinase 2; plus strand). Cytogenetic location: 9q22.31.
Variant type: single nucleotide variant.
Coding change: c.5536A>G on transcript NM_006648.4 (MANE Select); coding-DNA position 5536, A replaced by G.
Protein change: p.Arg1846Gly; replaces arginine 1846 with glycine.
Molecular consequence: missense variant.
Genome position (GRCh38, 1-based): chr9:93,293,001, A>G. VCF-style: chr9-93293001-A-G. GRCh37 (hg19) VCF-style: chr9-96055283-A-G.
Other names: c.5647A>G, p.Arg1883Gly (NM_001282394.3); short protein forms R1846G, R1883G.
Identifiers: ClinVar variation 4201791 (VCV004201791.1).
Genomic context (GRCh38, chr9:93,293,001, plus strand): 5'-CTGCCCGTGAGTGGCAGCGTGGCTGGCGACTTCGTGAAGAAGGCCACCGCCTTCCTGCAG[A>G]GGCCTTCTCGGGCCGGCTCGCTGGGCCCCGAGACACCCAGCAGGGTGGGCATGAAGGTCC-3'
Protein context (NP_006639.3, residues 1836-1856): FVKKATAFLQ[Arg1846Gly]PSRAGSLGPE